The following is an entry in ClinVar:

NM_001374828.1(ARID1B):c.2734C>T (p.Pro912Ser)

Gene: ARID1B (AT-rich interaction domain 1B; plus strand). Cytogenetic location: 6q25.3.
Variant type: single nucleotide variant.
Coding change: c.2734C>T on transcript NM_001374828.1 (MANE Select); coding-DNA position 2734, C replaced by T.
Protein change: p.Pro912Ser; replaces proline 912 with serine.
Molecular consequence: missense variant.
Genome position (GRCh38, 1-based): chr6:157,133,180, C>T. VCF-style: chr6-157133180-C-T. GRCh37 (hg19) VCF-style: chr6-157454314-C-T.
Other names: c.2524C>T (NM_020732.3); c.235C>T, p.Pro79Ser (NM_001363725.2); c.2773C>T, p.Pro925Ser (NM_001371656.1, NM_001374820.1); c.2734C>T, p.Pro912Ser (NM_017519.3); short protein forms P79S, P912S, P925S.
Identifiers: ClinVar variation 1314871 (VCV001314871.2), dbSNP rs2128585878, ClinGen allele CA366388526.

ClinVar aggregate classification (germline): Uncertain significance (1 of 4 stars; one submission).

Submission:

GeneDx
Classification: Uncertain significance. Last evaluated: 2020-01-28. Review status: criteria provided, single submitter. Criteria: GeneDx Variant Classification Process June 2021. Collection method: clinical testing. Allele origin: germline. Affected: yes.
Comment: Not observed in large population cohorts (Lek et al., 2016); In silico analysis, which includes protein predictors and evolutionary conservation, supports a deleterious effect; Has not been previously published as pathogenic or benign to our knowledge